The following is an entry in ClinVar:

NM_002480.3(PPP1R12A):c.2666+1G>A

Gene: PPP1R12A (protein phosphatase 1 regulatory subunit 12A; minus strand). Cytogenetic location: 12q21.2.
Variant type: single nucleotide variant.
Coding change: c.2666+1G>A on transcript NM_002480.3 (MANE Select); the canonical splice donor site of the intron after coding-DNA position 2666, G replaced by A.
Molecular consequence: splice donor variant.
Genome position (GRCh38, 1-based): chr12:79,790,466, C>T on the plus strand (G>A on the coding strand, the complement: PPP1R12A is on the minus strand). VCF-style: chr12-79790466-C-T. GRCh37 (hg19) VCF-style: chr12-80184246-C-T.
Other names: c.2498+1G>A (NM_001244992.1); c.2666+1G>A (NM_001244990.2, NM_001143885.2); c.2405+1G>A (NM_001143886.2).
Identifiers: ClinVar variation 5017536 (VCV005017536.1).

ClinVar aggregate classification (germline): Pathogenic (1 of 4 stars; one submission).

Submission:

GeneDx
Classification: Pathogenic. Last evaluated: 2026-03-26. Review status: criteria provided, single submitter. Criteria: GeneDx Variant Classification Process June 2021. Collection method: clinical testing. Allele origin: germline.
Comment: Canonical splice site variant predicted to result in a null allele in a gene for which loss of function is a known mechanism of disease; Not observed at significant frequency in large population cohorts (gnomAD); Has not been previously published as pathogenic or benign to our knowledge